The following is an entry in ClinVar:

ClinVar aggregate classification (germline): Pathogenic (1 of 4 stars; one submission).

Conditions:
Early-infantile DEE. Also called: Early infantile epileptic encephalopathy; Early infantile epileptic encephalopathy with suppression bursts; Ohtahara syndrome. Identifiers: Orphanet 1934, MedGen C0393706, MONDO:0800491.

Submission:

Labcorp Genetics (formerly Invitae), Labcorp
Classification: Pathogenic for Early-infantile DEE. Last evaluated: 2022-09-01. Review status: criteria provided, single submitter. Criteria: Invitae Variant Classification Sherloc (09022015). Collection method: clinical testing. Allele origin: germline.
Comment: For these reasons, this variant has been classified as Pathogenic. This variant results in an extension of the KCNQ2 protein. Other variant(s) that result in a similarly extended protein product (p.Gly866Alafs*64) have been determined to be pathogenic (PMID: 10482260, 21937445). This suggests that these extensions are likely to be disease-causing. ClinVar contains an entry for this variant (Variation ID: 461416). This variant has not been reported in the literature in individuals affected with KCNQ2-related conditions. This variant is not present in population databases (gnomAD no frequency). This sequence change results in a frameshift in the KCNQ2 gene (p.Arg760Alafs*170). While this is not anticipated to result in nonsense mediated decay, it is expected to disrupt the last 113 amino acid(s) of the KCNQ2 protein and extend the protein by 56 additional amino acid residues.

Literature cited by the submitters: PubMed 10482260; PubMed 21937445.

NM_172107.4(KCNQ2):c.2278del (p.Arg760fs)

Gene: KCNQ2 (potassium voltage-gated channel subfamily Q member 2; minus strand). Cytogenetic location: 20q13.33.
Variant type: Deletion.
Coding change: c.2278del on transcript NM_172107.4 (MANE Select); coding-DNA position 2278, one base deleted (C; older notation c.2278delC).
Protein change: p.Arg760fs; shifts the reading frame from arginine 760.
Molecular consequence: frameshift variant.
Genome position (GRCh38, 1-based): chr20:63,406,985, G deleted on the plus strand (C on the coding strand, the reverse complement: KCNQ2 is on the minus strand); the first of 2 consecutive G bases (chr20:63,406,985-63,406,986); deleting either gives the same sequence. VCF-style (leftmost placement, unchanged base first): chr20-63406984-CG-C. GRCh37 (hg19) VCF-style: chr20-62038337-CG-C.
Other names: c.2194del, p.Arg732fs (NM_004518.6); c.2224del, p.Arg742fs (NM_172106.3); c.2185del, p.Arg729fs (NM_172108.5); short protein forms R742fs, R760fs, R732fs, R729fs.
Identifiers: ClinVar variation 461416 (VCV000461416.9), dbSNP rs1555850590, ClinGen allele CA658658882.